The following is an entry in ClinVar:

NM_000051.4(ATM):c.5018G>A (p.Ser1673Asn)

Gene: ATM (ATM serine/threonine kinase; plus strand). Cytogenetic location: 11q22.3.
Variant type: single nucleotide variant.
Coding change: c.5018G>A on transcript NM_000051.4 (MANE Select); coding-DNA position 5018, G replaced by A.
Protein change: p.Ser1673Asn; replaces serine 1673 with asparagine.
Molecular consequence: missense variant.
Genome position (GRCh38, 1-based): chr11:108,299,726, G>A. VCF-style: chr11-108299726-G-A. GRCh37 (hg19) VCF-style: chr11-108170453-G-A.
Other names: c.5018G>A, p.Ser1673Asn (NM_001351834.2); short protein forms S1673N.
Identifiers: ClinVar variation 236727 (VCV000236727.9), dbSNP rs878853515, ClinGen allele CA10582823.
Genomic context (GRCh38, chr11:108,299,726, plus strand): 5'-TATGATCTCTTACCTATGACTCTACTGAAATAGAATTTCTATATGTAGAGGCTGTTGGAA[G>A]CTGCTTGGGAGAAGTGGGTCCTATAGATTTCTCTACCATAGCTATACAACATAGTAAAGA-3'
Protein context (NP_000042.3, residues 1663-1683): GEKEVLEAVG[Ser1673Asn]CLGEVGPIDF

ClinVar aggregate classification (germline): Uncertain significance. Review status: criteria provided, multiple submitters, no conflicts (2 of 4 stars). 4 submissions from 4 submitters: Uncertain significance (4). Last evaluated 2025-08-14.

Conditions:
Hereditary cancer-predisposing syndrome. Also called: Tumor predisposition; Hereditary Cancer Syndrome; Hereditary neoplastic syndrome; Neoplastic Syndromes, Hereditary. Identifiers: Orphanet 140162, MedGen C0027672, MeSH D009386, MONDO:0015356.
Ataxia-telangiectasia syndrome (AT). Also called: Ataxia telangiectasia (A-T); LOUIS-BAR SYNDROME; Cerebello-oculocutaneous telangiectasia; Immunodeficiency with ataxia telangiectasia; ATAXIA-TELANGIECTASIA, COMPLEMENTATION GROUP A; ATAXIA-TELANGIECTASIA, FRESNO VARIANT. Identifiers: Orphanet 100, MedGen C0004135, MONDO:0008840, OMIM 208900.

Allele frequency attached by ClinVar (database versions not stated): gnomAD exomes below 0.00001.
gnomAD v4.1: 2 of 1,613,808 alleles (0.00012%); highest among the groups gnomAD compares: Non-Finnish European, 0.00017%; no homozygotes.

Submissions (4):

Ambry Genetics
Classification: Uncertain significance for Hereditary cancer-predisposing syndrome. Last evaluated: 2025-08-14. Review status: criteria provided, single submitter. Criteria: Ambry Variant Classification Scheme 2023. Collection method: clinical testing. Allele origin: germline.
Comment: The p.S1673N variant (also known as c.5018G>A), located in coding exon 33 of the ATM gene, results from a G to A substitution at nucleotide position 5018. The serine at codon 1673 is replaced by asparagine, an amino acid with highly similar properties. This amino acid position is conserved. In addition, this alteration is predicted to be tolerated by in silico analysis. Based on the available evidence, the clinical significance of this variant remains unclear.

Labcorp Genetics (formerly Invitae), Labcorp
Classification: Uncertain significance for Ataxia-telangiectasia syndrome. Last evaluated: 2024-01-10. Review status: criteria provided, single submitter. Criteria: Invitae Variant Classification Sherloc (09022015). Collection method: clinical testing. Allele origin: germline.
Comment: This sequence change replaces serine, which is neutral and polar, with asparagine, which is neutral and polar, at codon 1673 of the ATM protein (p.Ser1673Asn). This variant is not present in population databases (gnomAD no frequency). This variant has not been reported in the literature in individuals affected with ATM-related conditions. ClinVar contains an entry for this variant (Variation ID: 236727). An algorithm developed to predict the effect of missense changes on protein structure and function (PolyPhen-2) suggests that this variant is likely to be tolerated. In summary, the available evidence is currently insufficient to determine the role of this variant in disease. Therefore, it has been classified as a Variant of Uncertain Significance.

Quest Diagnostics Nichols Institute San Juan Capistrano
Classification: Uncertain significance. Last evaluated: 2023-12-12. Review status: criteria provided, single submitter. Criteria: Quest Diagnostics criteria. Collection method: clinical testing. Allele origin: unknown.

GeneDx
Classification: Uncertain significance. Last evaluated: 2023-02-03. Review status: criteria provided, single submitter. Criteria: GeneDx Variant Classification Process June 2021. Collection method: clinical testing. Allele origin: germline. Affected: yes.
Comment: Not observed at significant frequency in large population cohorts (gnomAD); In silico analysis supports that this missense variant does not alter protein structure/function; Has not been previously published as pathogenic or benign to our knowledge